The following is an entry in ClinVar:

ClinVar aggregate classification (germline): Uncertain significance (1 of 4 stars; one submission).

Conditions:
Myofibrillar myopathy 5. Also called: Filaminopathy (type); FILAMINOPATHY, AUTOSOMAL DOMINANT. Identifiers: Orphanet 171445, MedGen C1836050, MONDO:0012289, OMIM 609524.
Distal myopathy with posterior leg and anterior hand involvement. Also called: WILLIAMS DISTAL MYOPATHY. Identifiers: Orphanet 63273, MedGen C3279722, MONDO:0013550, OMIM 614065.
Hypertrophic cardiomyopathy 26. Also called: Cardiomyopathy, familial hypertrophic, 26. Identifiers: Orphanet 75249, MedGen C4310749, MONDO:0014883, OMIM 617047.

Submission:

Labcorp Genetics (formerly Invitae), Labcorp
Classification: Uncertain significance for Distal myopathy with posterior leg and anterior hand involvement; Myofibrillar myopathy 5; Hypertrophic cardiomyopathy 26. Last evaluated: 2024-11-28. Review status: criteria provided, single submitter. Criteria: Invitae Variant Classification Sherloc (09022015). Collection method: clinical testing. Allele origin: germline.
Comment: This sequence change falls in intron 27 of the FLNC gene. It does not directly change the encoded amino acid sequence of the FLNC protein. It affects a nucleotide within the consensus splice site. Information on the frequency of this variant in the gnomAD database is not available, as this variant may be reported differently in the database. This variant has not been reported in the literature in individuals affected with FLNC-related conditions. Variants that disrupt the consensus splice site are a relatively common cause of aberrant splicing (PMID: 17576681, 9536098). In summary, the available evidence is currently insufficient to determine the role of this variant in disease. Therefore, it has been classified as a Variant of Uncertain Significance.

Literature cited by the submitters: PubMed 17576681; PubMed 9536098.

NM_001458.5(FLNC):c.4738-4_4738-3delinsAT

Gene: FLNC (filamin C; plus strand). Cytogenetic location: 7q32.1.
Variant type: Indel.
Coding change: c.4738-4_4738-3delinsAT on transcript NM_001458.5 (MANE Select); 4 bases into the intron before coding-DNA position 4738 through 3 bases into the intron before coding-DNA position 4738, TC replaced by AT.
Molecular consequence: intron variant.
Genome position (GRCh38, 1-based): chr7:128,848,789-128,848,790, TC replaced by AT. VCF-style: chr7-128848789-TC-AT. GRCh37 (hg19) VCF-style: chr7-128488843-TC-AT.
Other names: c.4738-4_4738-3delinsAT (NM_001127487.2).
Identifiers: ClinVar variation 3752716 (VCV003752716.2).